The following is an entry in ClinVar:

ClinVar aggregate classification (germline): Pathogenic/Likely pathogenic. Review status: criteria provided, multiple submitters, no conflicts (2 of 4 stars). 3 submissions from 3 submitters: Pathogenic (2); Likely pathogenic (1). Last evaluated 2025-06-02.

Conditions:
Fanconi anemia complementation group A (FANCA). Also called: FANCA-Related Fanconi Anemia; Fanconi anemia, group A. Identifiers: Orphanet 84, MedGen C3469521, MONDO:0009215, OMIM 227650.
Fanconi anemia (FA). Also called: Fanconi's anemia. Identifiers: Orphanet 84, MedGen C0015625, MeSH D005199, MONDO:0019391.

Allele frequency attached by ClinVar (database versions not stated): gnomAD exomes below 0.00001.
gnomAD v4.1: 4 of 1,614,030 alleles (0.00025%); highest among the groups gnomAD compares: Non-Finnish European, 0.00034%; no homozygotes.

Submissions (3):

Natera, Inc.
Classification: Pathogenic for Fanconi anemia. Last evaluated: 2025-06-02. Review status: criteria provided, single submitter. Criteria: Natera Variant Classification Schema (03/2026). Collection method: clinical testing. Allele origin: germline.
Comment: The c.1226-1G>C variant in FANCA is a canonical splice acceptor site variant predicted to affect pre-mRNA splicing, which may result in an abnormal transcript and altered protein product. This variant is expected to result in nonsense mediated decay, truncation, or a dysfunctional protein product. This variant is rare in the general population with a frequency below the threshold expected for the associated phenotype(s). Another variant at this same site results in an alteration predicted to cause a similar molecular effect has been observed in individual(s) with the associated phenotype. Given the available evidence, this variant is classified as Pathogenic.

Baylor Genetics
Classification: Likely pathogenic for Fanconi anemia complementation group A. Last evaluated: 2024-03-03. Review status: criteria provided, single submitter. Criteria: ACMG Guidelines, 2015. Collection method: clinical testing. Allele origin: unknown.

Labcorp Genetics (formerly Invitae), Labcorp
Classification: Pathogenic for Fanconi anemia. Last evaluated: 2023-08-21. Review status: criteria provided, single submitter. Criteria: Invitae Variant Classification Sherloc (09022015). Collection method: clinical testing. Allele origin: germline.
Comment: For these reasons, this variant has been classified as Pathogenic. Algorithms developed to predict the effect of sequence changes on RNA splicing suggest that this variant may disrupt the consensus splice site. ClinVar contains an entry for this variant (Variation ID: 1389482). Disruption of this splice site has been observed in individuals with Fanconi anemia (PMID: 29098742; Invitae). This variant is present in population databases (no rsID available, gnomAD 0.0009%). This sequence change affects an acceptor splice site in intron 13 of the FANCA gene. It is expected to disrupt RNA splicing. Variants that disrupt the donor or acceptor splice site typically lead to a loss of protein function (PMID: 16199547), and loss-of-function variants in FANCA are known to be pathogenic (PMID: 19367192).

Literature cited by the submitters: PubMed 29098742 (cited by Labcorp Genetics (formerly Invitae), Labcorp); PubMed 16199547 (cited by Labcorp Genetics (formerly Invitae), Labcorp); PubMed 19367192 (cited by Labcorp Genetics (formerly Invitae), Labcorp).

NM_000135.4(FANCA):c.1226-1G>C

Gene: FANCA (FA complementation group A; minus strand). Cytogenetic location: 16q24.3.
Variant type: single nucleotide variant.
Coding change: c.1226-1G>C on transcript NM_000135.4 (MANE Select); the canonical splice acceptor site of the intron before coding-DNA position 1226, G replaced by C.
Molecular consequence: splice acceptor variant.
Genome position (GRCh38, 1-based): chr16:89,791,537, C>G on the plus strand (G>C on the coding strand, the complement: FANCA is on the minus strand). VCF-style: chr16-89791537-C-G. GRCh37 (hg19) VCF-style: chr16-89857945-C-G.
Other names: c.1226-1G>C (NM_001286167.3, NM_000135.3).
Identifiers: ClinVar variation 1389482 (VCV001389482.8), dbSNP rs1417768931, ClinGen allele CA397464646.
Genomic context (GRCh38, chr16:89,791,537, plus strand): 5'-TGACCATGCTGTCCAGCTGGCAGCTCTCGAATGCCTGGGCCATCAAACGCGCCACCCAGT[C>G]TAGTTAAGAACCATGACATAGTCACAGCAAGGCAAGGGCAGCCAGCAGGAACATGACGTG-3'